The following is an entry in ClinVar:

NM_001370100.5(ZMYND11):c.117-11926A>G

Gene: ZMYND11 (zinc finger MYND-type containing 11; plus strand). Cytogenetic location: 10p15.3.
Variant type: single nucleotide variant.
Coding change: c.117-11926A>G on transcript NM_001370100.5 (MANE Select); 11926 bases into the intron before coding-DNA position 117, A replaced by G.
Molecular consequence: intron variant. On other transcripts: missense variant (3).
Genome position (GRCh38, 1-based): chr10:197,963, A>G. VCF-style: chr10-197963-A-G. GRCh37 (hg19) VCF-style: chr10-243903-A-G.
Other names: c.23A>G (NM_001330057.1); c.117-11926A>G (NM_001370109.2, NM_001202468.1, NM_001202467.1 and 24 more transcripts); c.23A>G, p.His8Arg (NM_001330057.3, NM_001370112.2, NM_001370123.2); c.-4-11926A>G (NM_001370118.2, NM_001370121.2); c.51-11926A>G (NM_001370116.2, NM_001370120.2); c.-33-38875A>G (NM_001370124.3); short protein forms H8R.
Identifiers: ClinVar variation 4880869 (VCV004880869.3).

ClinVar aggregate classification (germline): Conflicting classifications of pathogenicity. Review status: criteria provided, conflicting classifications (1 of 4 stars). 2 submissions from 2 submitters: Uncertain significance (1); Likely benign (1). Last evaluated 2026-06-16.

Conditions:
ZMYND11-related disorder. Also called: ZMYND11-related condition.

gnomAD v4.1: 24 of 659,520 alleles (0.0036%); highest among the groups gnomAD compares: Middle Eastern, 0.048%; no homozygotes.

Submissions (2):

PreventionGenetics, part of Exact Sciences
Classification: Likely benign for ZMYND11-related condition. Last evaluated: 2026-06-16. Review status: criteria provided, single submitter. Criteria: ACMG Guidelines, 2015. Collection method: clinical testing. Allele origin: germline.
Comment: This variant is classified as likely benign based on ACMG/AMP sequence variant interpretation guidelines (Richards et al. 2015 PMID: 25741868, with internal and published modifications).

Dasa
Classification: Uncertain significance. Last evaluated: 2025-10-03. Review status: criteria provided, single submitter. Criteria: DASA Assertion Criteria. Collection method: clinical testing. Allele origin: germline.
Comment: NM_001330057.3(ZMYND11):c.23A>G (p.His8Arg) is a missense variant that results in the substitution of histidine with arginine. This variant is rare in population databases. Computational prediction algorithms are consistent with a benign effect. The currently available literature and clinical evidence are not sufficient to establish a definitive association between this variant and the reported condition. Therefore, this variant is classified as a variant of uncertain significance.